The following is an entry in ClinVar:

NM_003793.4(CTSF):c.157G>T (p.Gly53Cys)

Gene: CTSF (cathepsin F; minus strand). Cytogenetic location: 11q13.2.
Variant type: single nucleotide variant.
Coding change: c.157G>T on transcript NM_003793.4 (MANE Select); coding-DNA position 157, G replaced by T.
Protein change: p.Gly53Cys; replaces glycine 53 with cysteine.
Molecular consequence: missense variant.
Genome position (GRCh38, 1-based): chr11:66,568,330, C>A on the plus strand (G>T on the coding strand, the complement: CTSF is on the minus strand). VCF-style: chr11-66568330-C-A. GRCh37 (hg19) VCF-style: chr11-66335801-C-A.
Other names: short protein forms G53C.
Identifiers: ClinVar variation 1775669 (VCV001775669.2), dbSNP rs1857983770, ClinGen allele CA381468102.

ClinVar aggregate classification (germline): Uncertain significance (1 of 4 stars; one submission).

Conditions:
Inborn genetic diseases. Identifiers: MedGen C0950123, MeSH D030342.

gnomAD v4.1: 1 of 1,313,356 alleles (0.000076%); no homozygotes.

Submission:

Ambry Genetics
Classification: Uncertain significance for Inborn genetic diseases. Last evaluated: 2019-03-18. Review status: criteria provided, single submitter. Criteria: Ambry Variant Classification Scheme 2023. Collection method: clinical testing. Allele origin: germline.
Comment: The p.G53C variant (also known as c.157G>T), located in coding exon 1 of the CTSF gene, results from a G to T substitution at nucleotide position 157. The glycine at codon 53 is replaced by cysteine, an amino acid with highly dissimilar properties. This amino acid position is well conserved in available vertebrate species. In addition, the in silico prediction for this alteration is inconclusive. Since supporting evidence is limited at this time, the clinical significance of this alteration remains unclear.